The following is an entry in ClinVar:

NM_000548.5(TSC2):c.4221G>A (p.Val1407=)

Gene: TSC2 (TSC complex subunit 2; plus strand). Cytogenetic location: 16p13.3.
Variant type: single nucleotide variant.
Coding change: c.4221G>A on transcript NM_000548.5 (MANE Select); coding-DNA position 4221, G replaced by A.
Protein change: p.Val1407=; no amino-acid change (valine 1407 retained).
Molecular consequence: synonymous variant. On other transcripts: non-coding transcript variant (5).
Genome position (GRCh38, 1-based): chr16:2,084,443, G>A. VCF-style: chr16-2084443-G-A. GRCh37 (hg19) VCF-style: chr16-2134444-G-A.
Other names: c.3552G>A, p.Val1184= (NM_001406683.1, NM_001406682.1); c.3549G>A, p.Val1183= (NM_001406684.1); c.3423G>A, p.Val1141= (NM_001406685.1, NM_001406686.1); c.3420G>A, p.Val1140= (NM_001406687.1, NM_001406688.1); c.2808G>A, p.Val936= (NM_001406689.1); c.2748G>A, p.Val916= (NM_001406690.1); c.2745G>A, p.Val915= (NM_001406691.1); c.2679G>A, p.Val893= (NM_001406692.1, NM_001406693.1, NM_001406694.1); and 26 more.
Identifiers: ClinVar variation 4823955 (VCV004823955.1).
Genomic context (GRCh38, chr16:2,084,443, plus strand): 5'-CTCTCCCGAGCTGCAGACTCTGCAGGACATCCTCGGGGACCCTGGGGACAAGGCCGACGT[G>A]GGCCGGCTGAGCCCTGAGGTTAAGGCCCGGTCACAGTCAGGGACCCTGGACGGGGAAAGT-3'
Protein context (NP_000539.2, residues 1397-1417): ILGDPGDKAD[Val1407=]GRLSPEVKAR

ClinVar aggregate classification (germline): Uncertain significance (1 of 4 stars; one submission).

Conditions:
Hereditary cancer-predisposing syndrome. Also called: Neoplastic Syndromes, Hereditary; Hereditary neoplastic syndrome; Tumor predisposition; Hereditary Cancer Syndrome. Identifiers: Orphanet 140162, MedGen C0027672, MeSH D009386, MONDO:0015356.

Submission:

Ambry Genetics
Classification: Uncertain significance for Hereditary cancer-predisposing syndrome. Last evaluated: 2026-01-16. Review status: criteria provided, single submitter. Criteria: Ambry Variant Classification Scheme 2023. Collection method: clinical testing. Allele origin: germline.
Comment: The c.4221G>A variant (also known as p.V1407V), located in coding exon 33 of the TSC2 gene, results from a G to A substitution at nucleotide position 4221. This nucleotide substitution does not change the amino acid at codon 1407. This nucleotide position is poorly conserved in available vertebrate species. In silico splice site analysis for this alteration is inconclusive. Based on the available evidence, the clinical significance of this variant remains unclear.